The following is an entry in ClinVar:

NM_001367916.1(MAGT1):c.484dup (p.Ser162fs)

Gene: MAGT1 (magnesium transporter 1; minus strand). Cytogenetic location: Xq21.1.
Variant type: Duplication.
Coding change: c.484dup on transcript NM_001367916.1 (MANE Select); coding-DNA position 484, one base duplicated (T; older notation c.484dupT).
Protein change: p.Ser162fs; shifts the reading frame from serine 162.
Molecular consequence: frameshift variant.
Genome position (GRCh38, 1-based): chrX:77,857,404, A duplicated on the plus strand (T on the coding strand, the reverse complement: MAGT1 is on the minus strand); the first of 5 consecutive A bases (chrX:77,857,404-77,857,408); duplicating any one gives the same sequence. VCF-style (leftmost placement, unchanged base first): chrX-77857403-G-GA. GRCh37 (hg19) VCF-style: chrX-77112900-G-GA.
Other names: c.580dup, p.Ser194fs (NM_032121.5); short protein forms S162fs, S194fs.
Identifiers: ClinVar variation 1527846 (VCV001527846.6), dbSNP rs2149018434, ClinGen allele CA2573159550.
Genomic context (GRCh38, chrX:77,857,403, plus strand): 5'-GTTGGGAAACTTACATTGACATCAGTTCTGTCGGCGATCCACCGGGCAATCTGCTCAGCT[G>GA]AAAAACCCCGCACCTGTAACTCATATGTATCACCCCGTTTGGGTTTCCCTTTTGCAGGAA-3'

ClinVar aggregate classification (germline): Pathogenic. Review status: criteria provided, multiple submitters, no conflicts (2 of 4 stars). 2 submissions from 2 submitters: Pathogenic (2). Last evaluated 2022-09-23.

Conditions:
X-linked immunodeficiency with magnesium defect, Epstein-Barr virus infection and neoplasia. Identifiers: Orphanet 317476, MedGen C3275445, MONDO:0010455, OMIM 300853.

Submissions (2):

Labcorp Genetics (formerly Invitae), Labcorp
Classification: Pathogenic for X-linked immunodeficiency with magnesium defect, Epstein-Barr virus infection and neoplasia. Last evaluated: 2022-09-23. Review status: criteria provided, single submitter. Criteria: Invitae Variant Classification Sherloc (09022015). Collection method: clinical testing. Allele origin: germline.
Comment: This sequence change creates a premature translational stop signal (p.Ser194Phefs*3) in the MAGT1 gene. It is expected to result in an absent or disrupted protein product. Loss-of-function variants in MAGT1 are known to be pathogenic (PMID: 24550228). This variant is not present in population databases (gnomAD no frequency). This variant has not been reported in the literature in individuals affected with MAGT1-related conditions. ClinVar contains an entry for this variant (Variation ID: 1527846). For these reasons, this variant has been classified as Pathogenic.

Center for Genomics, Ann and Robert H. Lurie Children's Hospital of Chicago
Classification: Pathogenic for X-linked immunodeficiency with magnesium defect, Epstein-Barr virus infection and neoplasia. Last evaluated: 2021-12-21. Review status: criteria provided, single submitter. Criteria: ACMG Guidelines, 2015. Collection method: clinical testing. Allele origin: germline.
Comment: MAGT1 NM_032121.5 exon 4 p.Ser194Phefs*3 (c.580dup): This variant has not been reported in the literature and is not present in large control databases. Evolutionary conservation and computational predictive tools for this variant are limited or unavailable. This variant is a duplication at nucleotide position 580 and creates a premature stop codon 3 amino acids downstream from this location which results in an absent or abnormal protein. Loss of function variants are a known mechanism of disease for this gene (Li 2011 PMID:21796205). In summary, this variant is classified as pathogenic.

Literature cited by the submitters: PubMed 24550228 (cited by Labcorp Genetics (formerly Invitae), Labcorp).